The following is an entry in ClinVar:

NM_001256715.2(DNAAF3):c.880C>T (p.Leu294Phe)

Genes: DNAAF3 (dynein axonemal assembly factor 3; minus strand), DNAAF3-AS1 (DNAAF3 antisense RNA 1; plus strand). Cytogenetic location: 19q13.42.
Variant type: single nucleotide variant.
Coding change: c.880C>T on transcript NM_001256715.2 (MANE Select); coding-DNA position 880, C replaced by T.
Protein change: p.Leu294Phe; replaces leucine 294 with phenylalanine.
Molecular consequence: missense variant.
Genome position (GRCh38, 1-based): chr19:55,161,097, G>A on the plus strand (C>T on the coding strand, the complement: DNAAF3 is on the minus strand). VCF-style: chr19-55161097-G-A. GRCh37 (hg19) VCF-style: chr19-55672465-G-A.
Other names: c.1084C>T, p.Leu362Phe (NM_001256714.1); c.718C>T, p.Leu240Phe (NM_001256716.2); c.1021C>T, p.Leu341Phe (NM_178837.4); short protein forms L240F, L294F, L362F, L341F.
Identifiers: ClinVar variation 1787285 (VCV001787285.2), dbSNP rs2515521608, ClinGen allele CA407452292.

ClinVar aggregate classification (germline): Uncertain significance (1 of 4 stars; one submission).

Conditions:
Primary ciliary dyskinesia. Also called: Ciliary dyskinesia. Identifiers: Orphanet 244, MedGen C0008780, MONDO:0016575, HP:0012265.

Submission:

Ambry Genetics
Classification: Uncertain significance for Primary ciliary dyskinesia. Last evaluated: 2022-09-28. Review status: criteria provided, single submitter. Criteria: Ambry Variant Classification Scheme 2023. Collection method: clinical testing. Allele origin: germline.
Comment: The p.L362F variant (also known as c.1084C>T), located in coding exon 8 of the DNAAF3 gene, results from a C to T substitution at nucleotide position 1084. The leucine at codon 362 is replaced by phenylalanine, an amino acid with highly similar properties. This amino acid position is conserved. In addition, this alteration is predicted to be tolerated by in silico analysis. Since supporting evidence is limited at this time, the clinical significance of this alteration remains unclear.